The following is an entry in ClinVar:

NM_001148.6(ANK2):c.8318A>T (p.Asp2773Val)

Gene: ANK2 (ankyrin 2; plus strand). Cytogenetic location: 4q26.
Variant type: single nucleotide variant.
Coding change: c.8318A>T on transcript NM_001148.6 (MANE Select); coding-DNA position 8318, A replaced by T.
Protein change: p.Asp2773Val; replaces aspartic acid 2773 with valine.
Molecular consequence: missense variant. On other transcripts: intron variant (68).
Genome position (GRCh38, 1-based): chr4:113,356,936, A>T. VCF-style: chr4-113356936-A-T. GRCh37 (hg19) VCF-style: chr4-114278092-A-T.
Other names: c.8084A>T, p.Asp2695Val (NM_001386142.1); c.4718A>T, p.Asp1573Val (NM_001386166.1); c.8459A>T, p.Asp2820Val (NM_001386174.1); c.8435A>T, p.Asp2812Val (NM_001386175.1); c.4412-3887A>T (NM_001386186.2, NM_001386148.2); c.4214-3887A>T (NM_001354269.3); c.4292-3887A>T (NM_001386187.2); c.4253-3887A>T (NM_001386147.1); and 35 more; short protein forms D1573V, D2773V, D2812V, D2820V, D2695V.
Identifiers: ClinVar variation 1762890 (VCV001762890.2), dbSNP rs2095821333, ClinGen allele CA357933792.

ClinVar aggregate classification (germline): Uncertain significance (1 of 4 stars; one submission).

Conditions:
Cardiovascular phenotype. Identifiers: MedGen CN230736.

Allele frequency attached by ClinVar (database versions not stated): TOPMed below 0.00001.

Submission:

Ambry Genetics
Classification: Uncertain significance for Cardiovascular phenotype. Last evaluated: 2022-09-26. Review status: criteria provided, single submitter. Criteria: Ambry Variant Classification Scheme 2023. Collection method: clinical testing. Allele origin: germline.
Comment: The p.D2773V variant (also known as c.8318A>T), located in coding exon 38 of the ANK2 gene, results from an A to T substitution at nucleotide position 8318. The aspartic acid at codon 2773 is replaced by valine, an amino acid with highly dissimilar properties. This amino acid position is conserved. In addition, this alteration is predicted to be tolerated by in silico analysis. Since supporting evidence is limited at this time, the clinical significance of this alteration remains unclear.